The following is an entry in ClinVar:

NM_006379.5(SEMA3C):c.1746A>C (p.Gly582=)

Gene: SEMA3C (semaphorin 3C; minus strand). Cytogenetic location: 7q21.11.
Variant type: single nucleotide variant.
Coding change: c.1746A>C on transcript NM_006379.5 (MANE Select); coding-DNA position 1746, A replaced by C.
Protein change: p.Gly582=; no amino-acid change (glycine 582 retained).
Molecular consequence: synonymous variant.
Genome position (GRCh38, 1-based): chr7:80,748,994, T>G on the plus strand (A>C on the coding strand, the complement: SEMA3C is on the minus strand). VCF-style: chr7-80748994-T-G. GRCh37 (hg19) VCF-style: chr7-80378310-T-G.
Other names: c.1800A>C, p.Gly600= (NM_001350120.2); c.1572A>C, p.Gly524= (NM_001350121.2).
Identifiers: ClinVar variation 3348126 (VCV003348126.1).
Genomic context (GRCh38, chr7:80,748,994, plus strand): 5'-CTTGATAGATGCCTGCGGAGACTTGGGGGCACACTCCAGAAAAGTGGTGTTATTTTTTAC[T>G]CCATACTGGACAATTTCAGCTGCATTTCTGTATGCTAGCAGGCAAAAATAAAAGGCGAGA-3'
Protein context (NP_006370.1, residues 572-592): YRNAAEIVQY[Gly582=]VKNNTTFLEC

ClinVar aggregate classification (germline): Likely benign (0 of 4 stars; one submission).

Conditions:
SEMA3C-related disorder. Also called: SEMA3C-related condition.

gnomAD v4.1: 1 of 1,611,792 alleles (0.000062%); highest among the groups gnomAD compares: East Asian, 0.0022%; no homozygotes.

Submission:

PreventionGenetics, part of Exact Sciences
Classification: Likely benign for SEMA3C-related condition. Last evaluated: 2024-05-21. Review status: no assertion criteria provided. Collection method: clinical testing. Allele origin: germline.
Comment: This variant is classified as likely benign based on ACMG/AMP sequence variant interpretation guidelines (Richards et al. 2015 PMID: 25741868, with internal and published modifications).